The following is an entry in ClinVar:

ClinVar aggregate classification (germline): Pathogenic (1 of 4 stars; one submission).

Conditions:
Benign neonatal seizures. Also called: Benign familial neonatal seizures; Convulsions benign familial neonatal dominant form; Autosomal dominant form of benign neonatal seizures; Benign familial neonatal epilepsy; Benign neonatal familial convulsions. Identifiers: Orphanet 1949, MedGen C0220669, MONDO:0016027.

Submission:

Labcorp Genetics (formerly Invitae), Labcorp
Classification: Pathogenic for Benign neonatal seizures. Last evaluated: 2023-12-23. Review status: criteria provided, single submitter. Criteria: Invitae Variant Classification Sherloc (09022015). Collection method: clinical testing. Allele origin: germline.
Comment: This sequence change creates a premature translational stop signal (p.Asn100Thrfs*10) in the KCNQ3 gene. It is expected to result in an absent or disrupted protein product. Loss-of-function variants in KCNQ3 are known to be pathogenic (PMID: 29383681, 29852413). This variant is not present in population databases (gnomAD no frequency). This variant has not been reported in the literature in individuals affected with KCNQ3-related conditions. For these reasons, this variant has been classified as Pathogenic.

Literature cited by the submitters: PubMed 29383681; PubMed 29852413.

NM_004519.4(KCNQ3):c.299_302del (p.Asn100fs)

Gene: KCNQ3 (potassium voltage-gated channel subfamily Q member 3; minus strand). Cytogenetic location: 8q24.22.
Variant type: Deletion.
Coding change: c.299_302del on transcript NM_004519.4 (MANE Select); coding-DNA positions 299 to 302, 4 bases deleted (ACAA; older notation c.299_302delACAA).
Protein change: p.Asn100fs; shifts the reading frame from asparagine 100.
Molecular consequence: frameshift variant.
Genome position (GRCh38, 1-based): chr8:132,480,231-132,480,234, TTGT deleted on the plus strand (ACAA on the coding strand, the reverse complement: KCNQ3 is on the minus strand); deleting any 4 consecutive bases within chr8:132,480,231-132,480,236 gives the same sequence; the c. name uses the placement nearest the transcript's 3' end. VCF-style (leftmost placement, unchanged base first): chr8-132480230-GTTGT-G. GRCh37 (hg19) VCF-style: chr8-133492477-GTTGT-G.
Other names: short protein forms N100fs.
Identifiers: ClinVar variation 2705067 (VCV002705067.3), dbSNP rs2537398144, ClinGen allele CA2697550127.